The following is an entry in ClinVar:

NM_080863.5(ASB16):c.82C>A (p.Arg28=)

Gene: ASB16 (ankyrin repeat and SOCS box containing 16; plus strand). Cytogenetic location: 17q21.31.
Variant type: single nucleotide variant.
Coding change: c.82C>A on transcript NM_080863.5 (MANE Select); coding-DNA position 82, C replaced by A.
Protein change: p.Arg28=; no amino-acid change (arginine 28 retained).
Molecular consequence: synonymous variant.
Genome position (GRCh38, 1-based): chr17:44,170,871, C>A. VCF-style: chr17-44170871-C-A. GRCh37 (hg19) VCF-style: chr17-42248239-C-A.
Identifiers: ClinVar variation 2647817 (VCV002647817.24), dbSNP rs144229400, ClinGen allele CA8597941.

ClinVar aggregate classification (germline): Likely benign (1 of 4 stars; one submission).

Allele frequency attached by ClinVar (database versions not stated): 1000 Genomes Project 30x 0.00078; 1000 Genomes Project 0.00080; ESP Exome Variant Server 0.00231.

Submission:

CeGaT Center for Human Genetics Tuebingen
Classification: Likely benign. Last evaluated: 2022-07-01. Review status: criteria provided, single submitter. Criteria: CeGaT Center For Human Genetics Tuebingen Variant Classification Criteria Version 2. Collection method: clinical testing. Allele origin: germline. Affected: yes. Observed: 1 variant allele.
Comment: ASB16: BP4, BP7